The following is an entry in ClinVar:

ClinVar aggregate classification (germline): Uncertain significance. Review status: criteria provided, multiple submitters, no conflicts (2 of 4 stars). 2 submissions from 2 submitters: Uncertain significance (2). Last evaluated 2026-08-16.

Conditions:
Juvenile polyposis syndrome (JPS). Identifiers: Orphanet 2929, MedGen C0345893, MONDO:0017380, OMIM 174900.
Hereditary cancer-predisposing syndrome. Also called: Hereditary neoplastic syndrome; Neoplastic Syndromes, Hereditary; Tumor predisposition; Hereditary Cancer Syndrome. Identifiers: Orphanet 140162, MedGen C0027672, MeSH D009386, MONDO:0015356.
Familial thoracic aortic aneurysm and aortic dissection (TAAD). Also called: Thoracic aortic aneurysms and dissections. Identifiers: Orphanet 91387, MedGen C4707243, MONDO:0019625.

Submissions (2):

Ambry Genetics
Classification: Uncertain significance for Hereditary cancer-predisposing syndrome; Familial thoracic aortic aneurysm and aortic dissection. Last evaluated: 2026-08-16. Review status: criteria provided, single submitter. Criteria: Ambry Variant Classification Scheme 2023. Collection method: clinical testing. Allele origin: germline.
Comment: The p.E337G variant (also known as c.1010A>G), located in coding exon 8 of the SMAD4 gene, results from an A to G substitution at nucleotide position 1010. The glutamic acid at codon 337 is replaced by glycine, an amino acid with similar properties. This amino acid position is conserved. In addition, this alteration is predicted to be deleterious by in silico analysis. Based on the available evidence, the clinical significance of this variant remains unclear.

Labcorp Genetics (formerly Invitae), Labcorp
Classification: Uncertain significance for Juvenile polyposis syndrome. Last evaluated: 2024-08-28. Review status: criteria provided, single submitter. Criteria: Invitae Variant Classification Sherloc (09022015). Collection method: clinical testing. Allele origin: germline.
Comment: This sequence change replaces glutamic acid, which is acidic and polar, with glycine, which is neutral and non-polar, at codon 337 of the SMAD4 protein (p.Glu337Gly). This variant is not present in population databases (gnomAD no frequency). This variant has not been reported in the literature in individuals affected with SMAD4-related conditions. Invitae Evidence Modeling of protein sequence and biophysical properties (such as structural, functional, and spatial information, amino acid conservation, physicochemical variation, residue mobility, and thermodynamic stability) has been performed for this missense variant. However, the output from this modeling did not meet the statistical confidence thresholds required to predict the impact of this variant on SMAD4 protein function. In summary, the available evidence is currently insufficient to determine the role of this variant in disease. Therefore, it has been classified as a Variant of Uncertain Significance.

NM_005359.6(SMAD4):c.1010A>G (p.Glu337Gly)

Gene: SMAD4 (SMAD family member 4; plus strand). Cytogenetic location: 18q21.2.
Variant type: single nucleotide variant.
Coding change: c.1010A>G on transcript NM_005359.6 (MANE Select); coding-DNA position 1010, A replaced by G.
Protein change: p.Glu337Gly; replaces glutamic acid 337 with glycine.
Molecular consequence: missense variant. On other transcripts: non-coding transcript variant (2).
Genome position (GRCh38, 1-based): chr18:51,065,477, A>G. VCF-style: chr18-51065477-A-G. GRCh37 (hg19) VCF-style: chr18-48591847-A-G.
Other names: c.1010A>G, p.Glu337Gly (NM_001407041.1, NM_001407042.1, NM_001407043.1); short protein forms E337G.
Identifiers: ClinVar variation 3637571 (VCV003637571.3).
Genomic context (GRCh38, chr18:51,065,477, plus strand): 5'-CTATAGCTCCTGAGTATTGGTGTTCCATTGCTTACTTTGAAATGGATGTTCAGGTAGGAG[A>G]GACATTTAAGGTTCCTTCAAGCTGCCCTATTGTTACTGTTGATGGATACGTGGACCCTTC-3'
Protein context (NP_005350.1, residues 327-347): AYFEMDVQVG[Glu337Gly]TFKVPSSCPI